The following is an entry in ClinVar:

ClinVar aggregate classification (germline): Uncertain significance (1 of 4 stars; one submission).

Conditions:
Immunodeficiency, common variable, 7. Identifiers: Orphanet 1572, Orphanet 696894, MedGen C3542922, MONDO:0013862, OMIM 614699.

Submission:

MVZ Medizinische Genetik Mainz
Classification: Uncertain significance for Immunodeficiency, common variable, 7. Last evaluated: 2024-02-21. Review status: criteria provided, single submitter. Criteria: UK Practice Guidelines For Variant Classification V4 01 2020. Collection method: clinical testing. Allele origin: germline. Inheritance: Autosomal recessive inheritance. Affected: yes. Observed: 1 variant allele.
Comment: ACMG Criteria: PM2_SUP,PM3_SUP,PP3

NM_001006658.3(CR2):c.735G>T (p.Gly245=)

Gene: CR2 (complement C3d receptor 2; plus strand). Cytogenetic location: 1q32.2.
Variant type: single nucleotide variant.
Coding change: c.735G>T on transcript NM_001006658.3 (MANE Select); coding-DNA position 735, G replaced by T.
Protein change: p.Gly245=; no amino-acid change (glycine 245 retained).
Molecular consequence: synonymous variant.
Genome position (GRCh38, 1-based): chr1:207,469,150, G>T. VCF-style: chr1-207469150-G-T. GRCh37 (hg19) VCF-style: chr1-207642495-G-T.
Other names: c.735G>T, p.Gly245= (NM_001877.5).
Identifiers: ClinVar variation 3236265 (VCV003236265.1), dbSNP rs745918801, ClinGen allele CA422955750.